The following is an entry in ClinVar:

ClinVar aggregate classification (germline): Uncertain significance. Review status: criteria provided, multiple submitters, no conflicts (2 of 4 stars). 2 submissions from 2 submitters: Uncertain significance (2). Last evaluated 2025-09-02.

gnomAD v4.1: 57 of 1,614,138 alleles (0.0035%); highest among the groups gnomAD compares: Middle Eastern, 0.082%; 1 homozygote.

Submissions (2):

Women's Health and Genetics/Laboratory Corporation of America, LabCorp
Classification: Uncertain significance. Last evaluated: 2025-09-02. Review status: criteria provided, single submitter. Criteria: LabCorp Variant Classification Summary - May 2015. Collection method: clinical testing. Allele origin: germline.
Comment: Variant summary: KRT3 c.776G>A (p.Arg259Gln) results in a conservative amino acid change in the encoded protein sequence. Algorithms developed to predict the effect of missense changes on protein structure and function are either unavailable or do not agree on the potential impact of this missense change. The variant allele was found at a frequency of 4.8e-05 in 250448 control chromosomes. This frequency is not significantly higher than estimated for disease-causing variants in KRT3, allowing no conclusion about variant significance. To our knowledge, no occurrence of c.776G>A in individuals affected with KRT3-related conditions and no experimental evidence demonstrating its impact on protein function have been reported. ClinVar contains an entry for this variant (Variation ID: 3535958). Based on the evidence outlined above, the variant was classified as uncertain significance.

Ambry Genetics
Classification: Uncertain significance. Last evaluated: 2024-07-31. Review status: criteria provided, single submitter. Criteria: Ambry Variant Classification Scheme 2023. Collection method: clinical testing. Allele origin: germline.

NM_057088.3(KRT3):c.776G>A (p.Arg259Gln)

Gene: KRT3 (keratin 3; minus strand). Cytogenetic location: 12q13.13.
Variant type: single nucleotide variant.
Coding change: c.776G>A on transcript NM_057088.3 (MANE Select); coding-DNA position 776, G replaced by A.
Protein change: p.Arg259Gln; replaces arginine 259 with glutamine.
Molecular consequence: missense variant.
Genome position (GRCh38, 1-based): chr12:52,794,201, C>T on the plus strand (G>A on the coding strand, the complement: KRT3 is on the minus strand). VCF-style: chr12-52794201-C-T. GRCh37 (hg19) VCF-style: chr12-53187985-C-T.
Other names: short protein forms R259Q.
Identifiers: ClinVar variation 3535958 (VCV003535958.2).